The following is an entry in ClinVar:

NM_053056.3(CCND1):c.649C>T (p.Leu217=)

Gene: CCND1 (cyclin D1; plus strand). Cytogenetic location: 11q13.3.
Variant type: single nucleotide variant.
Coding change: c.649C>T on transcript NM_053056.3 (MANE Select); coding-DNA position 649, C replaced by T.
Protein change: p.Leu217=; no amino-acid change (leucine 217 retained).
Molecular consequence: synonymous variant.
Genome position (GRCh38, 1-based): chr11:69,648,068, C>T. VCF-style: chr11-69648068-C-T. GRCh37 (hg19) VCF-style: chr11-69462836-C-T.
Identifiers: ClinVar variation 3034107 (VCV003034107.2), dbSNP rs137904082, ClinGen allele CA6156255.

ClinVar aggregate classification (germline): Likely benign (0 of 4 stars; one submission).

Conditions:
CCND1-related disorder. Also called: CCND1-related condition.

Allele frequency attached by ClinVar (database versions not stated): ExAC 0.00015; gnomAD 0.00015; gnomAD exomes 0.00018; TOPMed 0.00020; ESP Exome Variant Server 0.00031.
gnomAD v4.1: 292 of 1,613,902 alleles (0.018%); highest among the groups gnomAD compares: Non-Finnish European, 0.022%; 1 homozygote.

Submission:

PreventionGenetics, part of Exact Sciences
Classification: Likely benign for CCND1-related condition. Last evaluated: 2019-04-04. Review status: no assertion criteria provided. Collection method: clinical testing. Allele origin: germline.
Comment: This variant is classified as likely benign based on ACMG/AMP sequence variant interpretation guidelines (Richards et al. 2015 PMID: 25741868, with internal and published modifications).